The following is an entry in ClinVar:

ClinVar aggregate classification (germline): Uncertain significance (1 of 4 stars; one submission).

Allele frequency attached by ClinVar (database versions not stated): gnomAD 0.00001; gnomAD exomes 0.00001; TOPMed 0.00002.

Submission:

Labcorp Genetics (formerly Invitae), Labcorp
Classification: Uncertain significance. Last evaluated: 2022-07-19. Review status: criteria provided, single submitter. Criteria: Invitae Variant Classification Sherloc (09022015). Collection method: clinical testing. Allele origin: germline.
Comment: This sequence change replaces methionine, which is neutral and non-polar, with isoleucine, which is neutral and non-polar, at codon 166 of the C8B protein (p.Met166Ile). This variant is present in population databases (no rsID available, gnomAD 0.01%). This variant has not been reported in the literature in individuals affected with C8B-related conditions. Algorithms developed to predict the effect of missense changes on protein structure and function (SIFT, PolyPhen-2, Align-GVGD) all suggest that this variant is likely to be tolerated. In summary, the available evidence is currently insufficient to determine the role of this variant in disease. Therefore, it has been classified as a Variant of Uncertain Significance.

NM_000066.4(C8B):c.498G>A (p.Met166Ile)

Gene: C8B (complement C8 beta chain; minus strand). Cytogenetic location: 1p32.2.
Variant type: single nucleotide variant.
Coding change: c.498G>A on transcript NM_000066.4 (MANE Select); coding-DNA position 498, G replaced by A.
Protein change: p.Met166Ile; replaces methionine 166 with isoleucine.
Molecular consequence: missense variant.
Genome position (GRCh38, 1-based): chr1:56,954,721, C>T on the plus strand (G>A on the coding strand, the complement: C8B is on the minus strand). VCF-style: chr1-56954721-C-T. GRCh37 (hg19) VCF-style: chr1-57420394-C-T.
Other names: c.342G>A, p.Met114Ile (NM_001278543.2); c.312G>A, p.Met104Ile (NM_001278544.2); short protein forms M166I, M104I, M114I.
Identifiers: ClinVar variation 2195445 (VCV002195445.1), dbSNP rs1224221774, ClinGen allele CA340509909.